The following is an entry in ClinVar:

NM_000213.5(ITGB4):c.5408G>A (p.Arg1803Gln)

Genes: GALK1 (galactokinase 1; minus strand), ITGB4 (integrin subunit beta 4; plus strand). Cytogenetic location: 17q25.1.
Variant type: single nucleotide variant.
Coding change: c.5408G>A on transcript NM_000213.5 (MANE Select); coding-DNA position 5408, G replaced by A.
Protein change: p.Arg1803Gln; replaces arginine 1803 with glutamine.
Molecular consequence: missense variant. On other transcripts: intron variant (1).
Genome position (GRCh38, 1-based): chr17:75,757,494, G>A. VCF-style: chr17-75757494-G-A. GRCh37 (hg19) VCF-style: chr17-73753575-G-A.
Other names: p.Arg1803Gln; c.5357G>A, p.Arg1786Gln (NM_001005619.2); c.5198G>A, p.Arg1733Gln (NM_001005731.3, NM_001321123.2); c.5048G>A, p.Arg1683Gln (NM_001438834.1); c.*22+540C>T (NM_001381985.1); short protein forms R1733Q, R1803Q, R1786Q, R1683Q.
Identifiers: ClinVar variation 325217 (VCV000325217.18), dbSNP rs80224547, ClinGen allele CA8770597.

ClinVar aggregate classification (germline): Benign/Likely benign. Review status: criteria provided, multiple submitters, no conflicts (2 of 4 stars). 6 submissions from 6 submitters: Benign (2); Likely benign (4). Last evaluated 2026-02-01.

Conditions:
Junctional epidermolysis bullosa with pyloric atresia. Also called: EPIDERMOLYSIS BULLOSA, JUNCTIONAL 5B, WITH PYLORIC ATRESIA; Junctional Epidermolysis Bullosa- Pyloric Atresia Syndrome; APLASIA CUTIS CONGENITA WITH GASTROINTESTINAL ATRESIA; CARMI SYNDROME; EB-PA-ACC; ITGB4-Related Epidermolysis Bullosa with Pyloric Atresia. Identifiers: Orphanet 79403, MedGen C5676875, MONDO:0009183, OMIM 226730.

Allele frequency attached by ClinVar (database versions not stated): gnomAD exomes 0.00047 and 0.00125; 1000 Genomes Project 0.00300; gnomAD 0.00433 and 0.00477; ESP Exome Variant Server 0.00577; TOPMed 0.00503; ExAC 0.00141; 1000 Genomes Project 30x 0.00312.
gnomAD v4.1: 1,375 of 1,613,090 alleles (0.085%); highest among the groups gnomAD compares: African/African-American, 1.5%; 13 homozygotes.

Submissions (6):

Labcorp Genetics (formerly Invitae), Labcorp
Classification: Benign. Last evaluated: 2026-02-01. Review status: criteria provided, single submitter. Criteria: Invitae Variant Classification Sherloc (09022015). Collection method: clinical testing. Allele origin: germline.

GeneDx
Classification: Likely benign. Last evaluated: 2025-05-14. Review status: criteria provided, single submitter. Criteria: GeneDx Variant Classification Process June 2021. Collection method: clinical testing. Allele origin: germline. Affected: yes.
Comment: See Variant Classification Assertion Criteria.

Mayo Clinic Laboratories, Mayo Clinic
Classification: Likely benign. Last evaluated: 2025-03-03. Review status: criteria provided, single submitter. Criteria: ACMG Guidelines, 2015. Collection method: clinical testing. Allele origin: germline. Observed: 1 variant allele.
Comment: BS1

Blueprint Genetics
Classification: Likely benign. Last evaluated: 2024-10-18. Review status: criteria provided, single submitter. Criteria: ACMG Guidelines, 2015. Collection method: clinical testing. Allele origin: germline.

Illumina Laboratory Services, Illumina
Classification: Benign for Junctional epidermolysis bullosa with pyloric atresia. Last evaluated: 2018-01-13. Review status: criteria provided, single submitter. Criteria: ICSL Variant Classification Criteria 13 December 2019. Collection method: clinical testing. Allele origin: germline.
Comment: This variant was observed in the ICSL laboratory as part of a predisposition screen in an ostensibly healthy population. It had not been previously curated by ICSL or reported in the Human Gene Mutation Database (HGMD: prior to June 1st, 2018), and was therefore a candidate for classification through an automated scoring system. Utilizing variant allele frequency, disease prevalence and penetrance estimates, and inheritance mode, an automated score was calculated to assess if this variant is too frequent to cause the disease. Based on the score and internal cut-off values, a variant classified as benign is not then subjected to further curation. The score for this variant resulted in a classification of benign for this disease.

Breakthrough Genomics
Classification: Likely benign. Review status: criteria provided, single submitter. Criteria: ACMG Guidelines, 2015. Collection method: not provided. Allele origin: germline. Inheritance: Autosomal recessive inheritance. Affected: yes.